The following is an entry in ClinVar:

ClinVar aggregate classification (germline): Likely pathogenic (1 of 4 stars; one submission).

Conditions:
Hereditary factor X deficiency disease. Also called: STUART-PROWER FACTOR DEFICIENCY; Congenital factor X deficiency. Identifiers: Orphanet 328, MedGen C0272327, MONDO:0009212, OMIM 227600.

Submission:

Juno Genomics, Hangzhou Juno Genomics, Inc
Classification: Likely pathogenic for Hereditary factor X deficiency disease. Review status: criteria provided, single submitter. Criteria: ACMG Guidelines, 2015. Collection method: clinical testing. Allele origin: germline.
Comment: Null variant in a gene where loss of function (LOF) is a known mechanism of disease.;Absent from controls (or at extremely low frequency if recessive) in Genome Aggregation Database.

NM_000504.4(F10):c.751del (p.Leu251fs)

Genes: F10 (coagulation factor X; plus strand), F10-AS2 (F10 antisense RNA 2; minus strand). Cytogenetic location: 13q34.
Variant type: Deletion.
Coding change: c.751del on transcript NM_000504.4 (MANE Select); coding-DNA position 751, one base deleted (C; older notation c.751delC).
Protein change: p.Leu251fs; shifts the reading frame from leucine 251.
Molecular consequence: frameshift variant.
Genome position (GRCh38, 1-based): chr13:113,147,382, C deleted; the last of 3 consecutive C bases (chr13:113,147,380-113,147,382); deleting any one gives the same sequence. VCF-style (leftmost placement, unchanged base first): chr13-113147379-GC-G. GRCh37 (hg19) VCF-style: chr13-113801693-GC-G.
Other names: c.619del, p.Leu207fs (NM_001312674.2); c.751del, p.Leu251fs (NM_001312675.2); short protein forms L207fs, L251fs.
Identifiers: ClinVar variation 5005231 (VCV005005231.2).